The following is an entry in ClinVar:

NM_025074.7(FRAS1):c.7431G>A (p.Ala2477=)

Gene: FRAS1 (Fraser extracellular matrix complex subunit 1; plus strand). Cytogenetic location: 4q21.21.
Variant type: single nucleotide variant.
Coding change: c.7431G>A on transcript NM_025074.7 (MANE Select); coding-DNA position 7431, G replaced by A.
Protein change: p.Ala2477=; no amino-acid change (alanine 2477 retained).
Molecular consequence: synonymous variant.
Genome position (GRCh38, 1-based): chr4:78,472,239, G>A. VCF-style: chr4-78472239-G-A. GRCh37 (hg19) VCF-style: chr4-79393393-G-A.
Identifiers: ClinVar variation 729797 (VCV000729797.9), dbSNP rs750729569, ClinGen allele CA2978095.

ClinVar aggregate classification (germline): Likely benign. Review status: criteria provided, multiple submitters, no conflicts (2 of 4 stars). 3 submissions from 3 submitters: Likely benign (2). 1 of the submissions does not count toward it. Last evaluated 2025-09-01.

Conditions:
Fraser syndrome 1 (FRASRS1). Also called: CRYPTOPHTHALMOS WITH OTHER MALFORMATIONS. Identifiers: Orphanet 2052, MedGen C4551480, MONDO:0054737, OMIM 219000.
FRAS1-related disorder. Also called: FRAS1-related condition.

Allele frequency attached by ClinVar (database versions not stated): gnomAD 0.00004 and 0.00007; TOPMed 0.00008.
gnomAD v4.1: 69 of 1,613,886 alleles (0.0043%); highest among the groups gnomAD compares: South Asian, 0.036%; no homozygotes.

Submissions (3):

Labcorp Genetics (formerly Invitae), Labcorp
Classification: Likely benign. Last evaluated: 2025-09-01. Review status: criteria provided, single submitter. Criteria: Invitae Variant Classification Sherloc (09022015). Collection method: clinical testing. Allele origin: germline.

Fulgent Genetics
Classification: Likely benign for Fraser syndrome 1. Last evaluated: 2021-10-22. Review status: criteria provided, single submitter. Criteria: ACMG Guidelines, 2015. Collection method: clinical testing. Allele origin: unknown.

PreventionGenetics, part of Exact Sciences
Classification: Likely benign for FRAS1-related condition. Last evaluated: 2019-06-03. Review status: no assertion criteria provided. Collection method: clinical testing. Allele origin: germline. Not counted in ClinVar's aggregate classification.
Comment: This variant is classified as likely benign based on ACMG/AMP sequence variant interpretation guidelines (Richards et al. 2015 PMID: 25741868, with internal and published modifications).